The following is an entry in ClinVar:

NM_152564.5(VPS13B):c.5463C>G (p.Ile1821Met)

Gene: VPS13B (vacuolar protein sorting 13 homolog B; plus strand). Cytogenetic location: 8q22.2.
Variant type: single nucleotide variant.
Coding change: c.5463C>G on transcript NM_152564.5 (MANE Select); coding-DNA position 5463, C replaced by G.
Protein change: p.Ile1821Met; replaces isoleucine 1821 with methionine.
Molecular consequence: missense variant.
Genome position (GRCh38, 1-based): chr8:99,642,053, C>G. VCF-style: chr8-99642053-C-G. GRCh37 (hg19) VCF-style: chr8-100654281-C-G.
Other names: c.5538C>G, p.Ile1846Met (NM_017890.5); short protein forms I1821M, I1846M.
Identifiers: ClinVar variation 2051978 (VCV002051978.2), dbSNP rs749201575, ClinGen allele CA371872609.
Genomic context (GRCh38, chr8:99,642,053, plus strand): 5'-ATCAATTGTAAAAAATCTAAATTTTATTCCCTTTGACATATTTATTACTGCAAGTAGAAT[C>G]TCACTAATGACCTATTCCTGTATGGCCTTATCCAAATCGAAATCACAAGAACAGAAGAAT-3'
Protein context (NP_689777.3, residues 1811-1831): PFDIFITASR[Ile1821Met]SLMTYSCMAL

ClinVar aggregate classification (germline): Uncertain significance (1 of 4 stars; one submission).

Conditions:
Cohen syndrome (COH1). Also called: PEPPER SYNDROME; Cutis verticis gyrata, retinitis pigmentosa, and sensorineural deafness. Identifiers: Orphanet 193, MedGen C0265223, MONDO:0008999, OMIM 216550.

Submission:

Labcorp Genetics (formerly Invitae), Labcorp
Classification: Uncertain significance for Cohen syndrome. Last evaluated: 2022-11-01. Review status: criteria provided, single submitter. Criteria: Invitae Variant Classification Sherloc (09022015). Collection method: clinical testing. Allele origin: germline.
Comment: In summary, the available evidence is currently insufficient to determine the role of this variant in disease. Therefore, it has been classified as a Variant of Uncertain Significance. Advanced modeling of protein sequence and biophysical properties (such as structural, functional, and spatial information, amino acid conservation, physicochemical variation, residue mobility, and thermodynamic stability) performed at Invitae indicates that this missense variant is not expected to disrupt VPS13B protein function. This variant has not been reported in the literature in individuals affected with VPS13B-related conditions. This variant is not present in population databases (gnomAD no frequency). This sequence change replaces isoleucine, which is neutral and non-polar, with methionine, which is neutral and non-polar, at codon 1846 of the VPS13B protein (p.Ile1846Met).